The following is an entry in ClinVar:

ClinVar aggregate classification (germline): Uncertain significance (1 of 4 stars; one submission).

Conditions:
Hereditary cancer-predisposing syndrome. Also called: Neoplastic Syndromes, Hereditary; Tumor predisposition; Hereditary neoplastic syndrome; Hereditary Cancer Syndrome. Identifiers: Orphanet 140162, MedGen C0027672, MeSH D009386, MONDO:0015356.

gnomAD v4.1: 1 of 1,587,800 alleles (0.000063%); highest among the groups gnomAD compares: Non-Finnish European, 0.000086%; no homozygotes.

Submission:

Ambry Genetics
Classification: Uncertain significance for Hereditary cancer-predisposing syndrome. Last evaluated: 2024-01-09. Review status: criteria provided, single submitter. Criteria: Ambry Variant Classification Scheme 2023. Collection method: clinical testing. Allele origin: germline.
Comment: The p.P84A variant (also known as c.250C>G), located in coding exon 3 of the CDC73 gene, results from a C to G substitution at nucleotide position 250. The proline at codon 84 is replaced by alanine, an amino acid with highly similar properties. This amino acid position is highly conserved in available vertebrate species. In addition, the in silico prediction for this alteration is inconclusive. Since supporting evidence is limited at this time, the clinical significance of this alteration remains unclear.

NM_024529.5(CDC73):c.250C>G (p.Pro84Ala)

Gene: CDC73 (cell division cycle 73; plus strand). Cytogenetic location: 1q31.2.
Variant type: single nucleotide variant.
Coding change: c.250C>G on transcript NM_024529.5 (MANE Select); coding-DNA position 250, C replaced by G.
Protein change: p.Pro84Ala; replaces proline 84 with alanine.
Molecular consequence: missense variant.
Genome position (GRCh38, 1-based): chr1:193,130,186, C>G. VCF-style: chr1-193130186-C-G. GRCh37 (hg19) VCF-style: chr1-193099316-C-G.
Other names: short protein forms P84A.
Identifiers: ClinVar variation 3227868 (VCV003227868.1), dbSNP rs754686636, ClinGen allele CA343973298.